The following is an entry in ClinVar:

NM_001848.3(COL6A1):c.76C>G (p.Pro26Ala)

Gene: COL6A1 (collagen type VI alpha 1 chain; plus strand). Cytogenetic location: 21q22.3.
Variant type: single nucleotide variant.
Coding change: c.76C>G on transcript NM_001848.3 (MANE Select); coding-DNA position 76, C replaced by G.
Protein change: p.Pro26Ala; replaces proline 26 with alanine.
Molecular consequence: missense variant.
Genome position (GRCh38, 1-based): chr21:45,981,926, C>G. VCF-style: chr21-45981926-C-G. GRCh37 (hg19) VCF-style: chr21-47401840-C-G.
Other names: short protein forms P26A.
Identifiers: ClinVar variation 4717221 (VCV004717221.1).

ClinVar aggregate classification (germline): Uncertain significance (1 of 4 stars; one submission).

Conditions:
Bethlem myopathy 1A. Also called: MYOPATHY, BENIGN CONGENITAL, WITH CONTRACTURES; Bethlem myopathy 1; Bethlem Muscular Dystrophy. Identifiers: Orphanet 610, MedGen CN029274, MONDO:0024530, OMIM 158810.

Submission:

Labcorp Genetics (formerly Invitae), Labcorp
Classification: Uncertain significance for Bethlem myopathy 1A. Last evaluated: 2024-12-16. Review status: criteria provided, single submitter. Criteria: Invitae Variant Classification Sherloc (09022015). Collection method: clinical testing. Allele origin: germline.
Comment: This sequence change replaces proline, which is neutral and non-polar, with alanine, which is neutral and non-polar, at codon 26 of the COL6A1 protein (p.Pro26Ala). This variant is not present in population databases (gnomAD no frequency). This variant has not been reported in the literature in individuals affected with COL6A1-related conditions. Invitae Evidence Modeling of protein sequence and biophysical properties (such as structural, functional, and spatial information, amino acid conservation, physicochemical variation, residue mobility, and thermodynamic stability) indicates that this missense variant is not expected to disrupt COL6A1 protein function with a negative predictive value of 95%. In summary, the available evidence is currently insufficient to determine the role of this variant in disease. Therefore, it has been classified as a Variant of Uncertain Significance.